The following is an entry in ClinVar:

NM_022455.5(NSD1):c.4991G>C (p.Cys1664Ser)

Gene: NSD1 (nuclear receptor binding SET domain protein 1; plus strand). Cytogenetic location: 5q35.3.
Variant type: single nucleotide variant.
Coding change: c.4991G>C on transcript NM_022455.5 (MANE Select); coding-DNA position 4991, G replaced by C.
Protein change: p.Cys1664Ser; replaces cysteine 1664 with serine.
Molecular consequence: missense variant.
Genome position (GRCh38, 1-based): chr5:177,260,013, G>C. VCF-style: chr5-177260013-G-C. GRCh37 (hg19) VCF-style: chr5-176687014-G-C.
Other names: c.4118G>C, p.Cys1373Ser (NM_001365684.2, NM_001409308.1, NM_001409309.1 and 1 more transcripts); c.4991G>C, p.Cys1664Ser (NM_001409301.1, NM_001409302.1, NM_001409303.1); c.4571G>C, p.Cys1524Ser (NM_001409304.1); c.4238G>C, p.Cys1413Ser (NM_001409305.1); c.4229G>C, p.Cys1410Ser (NM_001409306.1, NM_001409307.1); short protein forms C1373S, C1410S, C1413S, C1524S, C1664S.
Identifiers: ClinVar variation 4686109 (VCV004686109.1).

ClinVar aggregate classification (germline): Uncertain significance (1 of 4 stars; one submission).

Submission:

GeneDx
Classification: Uncertain significance. Last evaluated: 2025-07-12. Review status: criteria provided, single submitter. Criteria: GeneDx Variant Classification Process June 2021. Collection method: clinical testing. Allele origin: germline. Affected: yes.
Comment: Identified in a patient with features of Sotos syndrome in published literature; however, segregation information was not provided (PMID: 22012791); Not observed at significant frequency in large population cohorts (gnomAD); In silico analysis supports that this missense variant has a deleterious effect on protein structure/function; This variant is associated with the following publications: (PMID: 22012791)